The following is an entry in ClinVar:

ClinVar aggregate classification (germline): Conflicting classifications of pathogenicity. Review status: criteria provided, conflicting classifications (1 of 4 stars). 8 submissions from 7 submitters: Uncertain significance (1); Benign (3); Likely benign (4). Last evaluated 2026-01-26.

Conditions:
Joubert syndrome 9 (JBTS9). Identifiers: Orphanet 2318, MedGen C2676788, MONDO:0012849, OMIM 612285.
Meckel-Gruber syndrome. Also called: DYSENCEPHALIA SPLANCHNOCYSTICA; GRUBER SYNDROME; Dysencephalia splachnocystica. Identifiers: Orphanet 564, MedGen C0265215, MONDO:0018921.
Joubert syndrome. Also called: Familial aplasia of the vermis; JOUBERT-BOLTSHAUSER SYNDROME. Identifiers: Orphanet 475, MedGen C5979921, MONDO:0018772.
Meckel syndrome, type 6. Identifiers: Orphanet 564, MedGen C2676790, MONDO:0012848, OMIM 612284.

Allele frequency attached by ClinVar (database versions not stated): 1000 Genomes Project 0.00399; 1000 Genomes Project 30x 0.00406; TOPMed 0.00696; ESP Exome Variant Server 0.00725.
gnomAD v4.1: 1,944 of 1,595,412 alleles (0.12%); highest among the groups gnomAD compares: African/African-American, 2.3%; 22 homozygotes.

Submissions (8):

Labcorp Genetics (formerly Invitae), Labcorp
Classification: Benign for Joubert syndrome; Meckel-Gruber syndrome. Last evaluated: 2026-01-26. Review status: criteria provided, single submitter. Criteria: Invitae Variant Classification Sherloc (09022015). Collection method: clinical testing. Allele origin: germline.

Mayo Clinic Laboratories, Mayo Clinic
Classification: Likely benign. Last evaluated: 2025-10-28. Review status: criteria provided, single submitter. Criteria: ACMG Guidelines, 2015. Collection method: clinical testing. Allele origin: germline. Observed: 6 variant alleles.
Comment: BS1, BP4_moderate

Blueprint Genetics
Classification: Likely benign. Last evaluated: 2024-08-28. Review status: criteria provided, single submitter. Criteria: ACMG Guidelines, 2015. Collection method: clinical testing. Allele origin: germline.

Genetic Services Laboratory, University of Chicago
Classification: Benign. Last evaluated: 2019-04-24. Review status: criteria provided, single submitter. Criteria: ACMG Guidelines, 2015. Collection method: clinical testing. Allele origin: germline. Affected: no.

GeneDx
Classification: Benign. Last evaluated: 2018-11-09. Review status: criteria provided, single submitter. Criteria: GeneDx Variant Classification Process June 2021. Collection method: clinical testing. Allele origin: germline. Affected: yes.
Comment: This variant is associated with the following publications: (PMID: 22241855)

Illumina Laboratory Services, Illumina
Classification: Likely benign for Joubert syndrome 9. Last evaluated: 2017-04-27. Review status: criteria provided, single submitter. Criteria: ICSL Variant Classification Criteria 13 December 2019. Collection method: clinical testing. Allele origin: germline.
Comment: This variant was observed as part of a predisposition screen in an ostensibly healthy population. A literature search was performed for the gene, cDNA change, and amino acid change (where applicable). Publications were found based on this search. The evidence from the literature, in combination with allele frequency data from public databases where available, was sufficient to determine this variant is unlikely to cause disease. Therefore, this variant is classified as likely benign.

Illumina Laboratory Services, Illumina
Classification: Uncertain significance for Meckel syndrome, type 6. Last evaluated: 2017-04-27. Review status: criteria provided, single submitter. Criteria: ICSL Variant Classification Criteria 13 December 2019. Collection method: clinical testing. Allele origin: germline.

PreventionGenetics, part of Exact Sciences
Classification: Likely benign. Review status: criteria provided, single submitter. Criteria: ACMG Guidelines, 2015. Collection method: clinical testing. Allele origin: germline.

Literature cited by the submitters: PubMed 22241855 (cited by Mayo Clinic Laboratories, Mayo Clinic and Illumina Laboratory Services, Illumina).

NM_001378615.1(CC2D2A):c.1978G>A (p.Val660Ile)

Genes: CC2D2A (coiled-coil and C2 domain containing 2A; plus strand), FBXL5 (F-box and leucine rich repeat protein 5; minus strand). Cytogenetic location: 4p15.32.
Variant type: single nucleotide variant.
Coding change: c.1978G>A on transcript NM_001378615.1 (MANE Select); coding-DNA position 1978, G replaced by A.
Protein change: p.Val660Ile; replaces valine 660 with isoleucine.
Molecular consequence: missense variant.
Genome position (GRCh38, 1-based): chr4:15,538,112, G>A. VCF-style: chr4-15538112-G-A. GRCh37 (hg19) VCF-style: chr4-15539735-G-A.
Other names: c.1978G>A, p.Val660Ile (NM_001080522.2); c.1831G>A, p.Val611Ile (NM_001378617.1); short protein forms V660I, V611I.
Identifiers: ClinVar variation 210608 (VCV000210608.25), dbSNP rs16892134, ClinGen allele CA208880.